The following is an entry in ClinVar:

NM_003238.6(TGFB2):c.644-2A>G

Gene: TGFB2 (transforming growth factor beta 2; plus strand). Cytogenetic location: 1q41.
Variant type: single nucleotide variant.
Coding change: c.644-2A>G on transcript NM_003238.6 (MANE Select); the canonical splice acceptor site of the intron before coding-DNA position 644, A replaced by G.
Molecular consequence: splice acceptor variant.
Genome position (GRCh38, 1-based): chr1:218,434,336, A>G. VCF-style: chr1-218434336-A-G. GRCh37 (hg19) VCF-style: chr1-218607678-A-G.
Other names: c.728-2A>G (NM_001135599.4).
Identifiers: ClinVar variation 372857 (VCV000372857.2), dbSNP rs1057518029, ClinGen allele CA16042310.

ClinVar aggregate classification (germline): Likely pathogenic (1 of 4 stars; one submission).

Submission:

GeneDx
Classification: Likely pathogenic. Last evaluated: 2017-03-10. Review status: criteria provided, single submitter. Criteria: GeneDx Variant Classification (06012015). Collection method: clinical testing. Allele origin: germline. Affected: yes.
Comment: Although the c.644-2 A>G variant has not been reported as pathogenic variant or benign to our knowledge, it destroys the canonical splice acceptor site in intron 3 and is predicted to cause abnormal gene splicing. This variant is predicted to lead to either an abnormal message that is subject to nonsense-mediated mRNA decay, or to an abnormal protein product if the message is used for protein translation. Furthermore, the c.644-2 A>G variant was not observed in approximately 6500 individuals of European and African American ancestry in the NHLBI Exome Sequencing Project, indicating it is not a common benign variant in these populations. Although only one other splice site variant in the TGFB2 gene has been reported in HGMD in association with LDS, other loss of function variants in this gene are strongly associated with a disease phenotype (Stenson et al., 2014). Therefore, the c.644-2 A>G variant is a strong candidate for a pathogenic variant, however the possibility it may be a rare benign variant cannot be excluded.